The following is an entry in ClinVar:

NM_001077525.3(MTMR14):c.1006C>T (p.Arg336Trp)

Gene: MTMR14 (myotubularin related protein 14; plus strand). Cytogenetic location: 3p25.3.
Variant type: single nucleotide variant.
Coding change: c.1006C>T on transcript NM_001077525.3 (MANE Select); coding-DNA position 1006, C replaced by T.
Protein change: p.Arg336Trp; replaces arginine 336 with tryptophan.
Molecular consequence: missense variant. On other transcripts: non-coding transcript variant (9).
Genome position (GRCh38, 1-based): chr3:9,684,626, C>T. VCF-style: chr3-9684626-C-T. GRCh37 (hg19) VCF-style: chr3-9726310-C-T.
Other names: c.760C>T, p.Arg254Trp (NM_001400530.1, NM_001400524.1, NM_001400527.1); c.757C>T, p.Arg253Trp (NM_001400531.1); c.724C>T, p.Arg242Trp (NM_001400532.1, NM_001400525.1, NM_001400529.1); c.364C>T, p.Arg122Trp (NM_001400533.1, NM_001400534.1, NM_001400535.1 and 7 more transcripts); c.685C>T, p.Arg229Trp (NM_001400536.1); c.649C>T, p.Arg217Trp (NM_001400537.1); c.289C>T, p.Arg97Trp (NM_001400538.1, NM_001400549.1); c.1006C>T, p.Arg336Trp (NM_001077526.3, NM_022485.5); and 5 more; short protein forms R311W, R335W, R359W, R49W, R217W, R229W, R242W, R336W.
Identifiers: ClinVar variation 2039189 (VCV002039189.4), dbSNP rs756686196, ClinGen allele CA2240561.

ClinVar aggregate classification (germline): Uncertain significance (1 of 4 stars; one submission).

Allele frequency attached by ClinVar (database versions not stated): ExAC 0.00001.

Submission:

Labcorp Genetics (formerly Invitae), Labcorp
Classification: Uncertain significance. Last evaluated: 2022-08-15. Review status: criteria provided, single submitter. Criteria: Invitae Variant Classification Sherloc (09022015). Collection method: clinical testing. Allele origin: germline.
Comment: This sequence change replaces arginine, which is basic and polar, with tryptophan, which is neutral and slightly polar, at codon 336 of the MTMR14 protein (p.Arg336Trp). This variant is present in population databases (rs756686196, gnomAD 0.003%). This variant has not been reported in the literature in individuals affected with MTMR14-related conditions. In summary, the available evidence is currently insufficient to determine the role of this variant in disease. Therefore, it has been classified as a Variant of Uncertain Significance. Algorithms developed to predict the effect of missense changes on protein structure and function (SIFT, PolyPhen-2, Align-GVGD) all suggest that this variant is likely to be disruptive.